The following is an entry in ClinVar:

ClinVar aggregate classification (germline): Pathogenic/Likely pathogenic. Review status: criteria provided, multiple submitters, no conflicts (2 of 4 stars). 6 submissions from 6 submitters: Pathogenic (4); Likely pathogenic (1). 1 of the submissions does not count toward it. Last evaluated 2021-10-25.

Conditions:
Marfan syndrome (MFS). Also called: FBN1-Related Marfan Syndrome; Marfan syndrome, classic; MARFAN SYNDROME, TYPE I; Marfan syndrome type 1; Marfan's syndrome. Identifiers: Orphanet 284963, Orphanet 558, MedGen C0024796, MONDO:0007947, OMIM 154700.
Familial thoracic aortic aneurysm and aortic dissection (TAAD). Also called: Thoracic aortic aneurysms and dissections. Identifiers: Orphanet 91387, MedGen C4707243, MONDO:0019625.
FBN1-related disorder. Also called: FBN1-related disorders.

Submissions (6):

Blueprint Genetics
Classification: Pathogenic for FBN1-related disorders. Last evaluated: 2021-10-25. Review status: criteria provided, single submitter. Criteria: ACMG Guidelines, 2015. Collection method: clinical testing. Allele origin: germline. Affected: yes. Observed: 2 variant alleles.

Labcorp Genetics (formerly Invitae), Labcorp
Classification: Pathogenic for Marfan syndrome; Familial thoracic aortic aneurysm and aortic dissection. Last evaluated: 2021-10-06. Review status: criteria provided, single submitter. Criteria: Invitae Variant Classification Sherloc (09022015). Collection method: clinical testing. Allele origin: germline.
Comment: This variant affects a cysteine residue in the EGF-like, TGFBP or hybrid motif domains of FBN1. Cysteine residues are believed to be involved in intramolecular disulfide bridges and have been shown to be important for FBN1 protein structure (PMID: 16905551, 19349279). In addition, missense substitutions affecting cysteine residues within these domains are significantly overrepresented among patients with Marfan syndrome (PMID: 16571647, 17701892). For these reasons, this variant has been classified as Pathogenic. Advanced modeling of protein sequence and biophysical properties (such as structural, functional, and spatial information, amino acid conservation, physicochemical variation, residue mobility, and thermodynamic stability) performed at Invitae indicates that this missense variant is expected to disrupt FBN1 protein function. ClinVar contains an entry for this variant (Variation ID: 42354). This missense change has been observed in individuals with isolated ectopia lentis or Marfan syndrome (PMID: 22736615, 24793577). This variant is not present in population databases (ExAC no frequency). This sequence change replaces cysteine with tyrosine at codon 1420 of the FBN1 protein (p.Cys1420Tyr). The cysteine residue is highly conserved and there is a large physicochemical difference between cysteine and tyrosine.

Centre of Medical Genetics, University of Antwerp
Classification: Pathogenic for Marfan syndrome. Last evaluated: 2021-03-01. Review status: criteria provided, single submitter. Criteria: Submitter's publication. Collection method: research. Allele origin: unknown. Affected: yes.
Comment: PM2, PVS2, PP4

Petrovsky National Research Centre of Surgery, The Federal Agency for Scientific Organizations
Classification: Pathogenic for Marfan syndrome. Last evaluated: 2019-08-01. Review status: criteria provided, single submitter. Criteria: ACMG Guidelines, 2015. Collection method: clinical testing. Allele origin: unknown. Inheritance: Autosomal dominant inheritance. Affected: yes. Observed: 1 heterozygote.
Comment: The p.Cys1420Tyr variant was reported in individuals with MFS (PMID: 22736615, 24793577) and is absent from large population studies. The variants has entry in dbSNP and ClinVar (rs397515804, Variation ID:42354). The Cys1420 residue is forming a disulfide bonds 1408-1420 in the cbEGF-like domain. Cysteine substitutions in such domains are a well known mutations with pathogenic consequences (PMID: 1301946, 15161917). In addition, computational results of Provean, PolyPhen2, MutationTaster show damaging effect.

Laboratory for Molecular Medicine, Mass General Brigham Personalized Medicine
Classification: Likely pathogenic for Marfan syndrome. Last evaluated: 2008-03-01. Review status: criteria provided, single submitter. Criteria: LMM Criteria. Collection method: clinical testing. Allele origin: germline. Observed: 3 variant alleles.

Center for Medical Genetics Ghent, University of Ghent
Classification: Pathogenic for Marfan syndrome. Last evaluated: 2017-11-07. Review status: no assertion criteria provided. Collection method: clinical testing. Allele origin: de novo. Affected: yes. Not counted in ClinVar's aggregate classification.

Literature cited by the submitters: PubMed 16905551 (cited by Labcorp Genetics (formerly Invitae), Labcorp); PubMed 19349279 (cited by Labcorp Genetics (formerly Invitae), Labcorp); PubMed 16571647 (cited by Labcorp Genetics (formerly Invitae), Labcorp); PubMed 17701892 (cited by Labcorp Genetics (formerly Invitae), Labcorp); PubMed 22736615 (cited by Labcorp Genetics (formerly Invitae), Labcorp); PubMed 24793577 (cited by Labcorp Genetics (formerly Invitae), Labcorp); PubMed 9399842 (cited by Laboratory for Molecular Medicine, Mass General Brigham Personalized Medicine).

NM_000138.5(FBN1):c.4259G>A (p.Cys1420Tyr)

Genes: FBN1 (fibrillin 1; minus strand), LOC126862124 (CDK7 strongly-dependent group 2 enhancer GRCh37_chr15:48764566-48765765; plus strand). Cytogenetic location: 15q21.1.
Variant type: single nucleotide variant.
Coding change: c.4259G>A on transcript NM_000138.5 (MANE Select); coding-DNA position 4259, G replaced by A.
Protein change: p.Cys1420Tyr; replaces cysteine 1420 with tyrosine.
Molecular consequence: missense variant.
Genome position (GRCh38, 1-based): chr15:48,472,628, C>T on the plus strand (G>A on the coding strand, the complement: FBN1 is on the minus strand). VCF-style: chr15-48472628-C-T. GRCh37 (hg19) VCF-style: chr15-48764825-C-T.
Other names: short protein forms C1420Y.
Identifiers: ClinVar variation 42354 (VCV000042354.29), dbSNP rs397515804, ClinGen allele CA014905.
Genomic context (GRCh38, chr15:48,472,628, plus strand): 5'-TCAGCACTGGGCACGAAGCCCATGTCGCATTCACAGCGGTATCCTCCTGGTGCATTGAGG[C>T]ACTGGCCATTGCCACAGAGATTCAGGTTCTCAGAGCACTCATCAAGGTCTACAGCCAGAA-3'
Protein context (NP_000129.3, residues 1410-1430): ENLNLCGNGQ[Cys1420Tyr]LNAPGGYRCE